The following is an entry in ClinVar:

NC_000010.10:g.(?_70173820)_(70231731_?)dup

Gene: DNA2 (DNA replication helicase/nuclease 2; minus strand). Cytogenetic location: 10q21.3.
Variant type: Duplication.
Identifiers: ClinVar variation 2682245 (VCV002682245.1).

ClinVar aggregate classification (germline): Uncertain significance (1 of 4 stars; one submission).

Submission:

Women's Health and Genetics/Laboratory Corporation of America, LabCorp
Classification: Uncertain significance. Last evaluated: 2023-11-22. Review status: criteria provided, single submitter. Criteria: LabCorp Variant Classification Summary - May 2015. Collection method: clinical testing. Allele origin: germline.
Comment: Variant summary: The variant identified by MLPA or other technology involves the duplication of exons 1-21 of the DNA2 gene. A presumed nomenclature of c.(?_-110)_(*976_?)dup has been designated for the purposes of this classification. This duplication includes the entire coding sequence of the gene. As exact breakpoints are unknown, it may extend beyond the annotated region of the gene, to include other flanking genes. A large duplication (~254 kbp) that encompasses the DNA2 gene and extends ~195 kbp upstream of the gene and includes other genes has been reported in 2 heterozygous individuals in the gnomAD database, SVs v2.1 dataset. The available data on variant occurrences in the general population are insufficient to allow any conclusion about variant significance. To our knowledge, no occurrence of c.(?_-110)_(*976_?)dup in individuals affected with Progressive External Ophthalmoplegia With Mitochondrial DNA Deletions or other DNA2-related disorders and no experimental evidence demonstrating its impact on protein function have been reported. One submitter has cited clinical-significance assessments for this variant to ClinVar after 2014 and has classified the variant as uncertain significance. Based on the evidence outlined above, the variant was classified as uncertain significance.